The following is an entry in ClinVar:

ClinVar aggregate classification (germline): Uncertain significance (1 of 4 stars; one submission).

Conditions:
Chédiak-Higashi syndrome (CHS). Also called: Chediak-Higashi Syndrome. Identifiers: Orphanet 167, MedGen C0007965, MONDO:0008963, OMIM 214500.

Allele frequency attached by ClinVar (database versions not stated): gnomAD exomes below 0.00001; gnomAD 0.00001; TOPMed 0.00001.
gnomAD v4.1: 3 of 1,588,730 alleles (0.00019%); highest among the groups gnomAD compares: African/African-American, 0.0027%; no homozygotes.

Submission:

Labcorp Genetics (formerly Invitae), Labcorp
Classification: Uncertain significance for Chédiak-Higashi syndrome. Last evaluated: 2022-07-25. Review status: criteria provided, single submitter. Criteria: Invitae Variant Classification Sherloc (09022015). Collection method: clinical testing. Allele origin: germline.
Comment: In summary, the available evidence is currently insufficient to determine the role of this variant in disease. Therefore, it has been classified as a Variant of Uncertain Significance. Algorithms developed to predict the effect of missense changes on protein structure and function are either unavailable or do not agree on the potential impact of this missense change (SIFT: "Deleterious"; PolyPhen-2: "Probably Damaging"; Align-GVGD: "Class C0"). ClinVar contains an entry for this variant (Variation ID: 1003295). This variant has not been reported in the literature in individuals affected with LYST-related conditions. This variant is present in population databases (no rsID available, gnomAD 0.003%). This sequence change replaces isoleucine, which is neutral and non-polar, with methionine, which is neutral and non-polar, at codon 3014 of the LYST protein (p.Ile3014Met).

NM_000081.4(LYST):c.9042A>G (p.Ile3014Met)

Gene: LYST (lysosomal trafficking regulator; minus strand). Cytogenetic location: 1q42.3.
Variant type: single nucleotide variant.
Coding change: c.9042A>G on transcript NM_000081.4 (MANE Select); coding-DNA position 9042, A replaced by G.
Protein change: p.Ile3014Met; replaces isoleucine 3014 with methionine.
Molecular consequence: missense variant.
Genome position (GRCh38, 1-based): chr1:235,730,849, T>C on the plus strand (A>G on the coding strand, the complement: LYST is on the minus strand). VCF-style: chr1-235730849-T-C. GRCh37 (hg19) VCF-style: chr1-235894149-T-C.
Other names: c.9042A>G, p.Ile3014Met (NM_001301365.1); short protein forms I3014M.
Identifiers: ClinVar variation 1003295 (VCV001003295.4), dbSNP rs1432592734, ClinGen allele CA344949069.
Genomic context (GRCh38, chr1:235,730,849, plus strand): 5'-ACTACAATAAGCTGTTGTATATTCATGAAAGAGTGAAGGTCTATTGATTCAAAGTTACCT[T>C]ATAGATTCACTTGCAGCTTTGTCTTTGACAGTAGAAGAGAAAGAAGAATGAGTTTTGTCT-3'
Protein context (NP_000072.2, residues 3004-3024): TVKDKAASES[Ile3014Met]RVNRRCISVA